The following is an entry in ClinVar:

NM_001376.5(DYNC1H1):c.1996G>A (p.Glu666Lys)

Gene: DYNC1H1 (dynein cytoplasmic 1 heavy chain 1; plus strand). Cytogenetic location: 14q32.31.
Variant type: single nucleotide variant.
Coding change: c.1996G>A on transcript NM_001376.5 (MANE Select); coding-DNA position 1996, G replaced by A.
Protein change: p.Glu666Lys; replaces glutamic acid 666 with lysine.
Molecular consequence: missense variant.
Genome position (GRCh38, 1-based): chr14:101,986,221, G>A. VCF-style: chr14-101986221-G-A. GRCh37 (hg19) VCF-style: chr14-102452558-G-A.
Other names: short protein forms E666K.
Identifiers: ClinVar variation 1434680 (VCV001434680.8), dbSNP rs2141274838, ClinGen allele CA391020217.

ClinVar aggregate classification (germline): Uncertain significance. Review status: criteria provided, multiple submitters, no conflicts (2 of 4 stars). 2 submissions from 2 submitters: Uncertain significance (2). Last evaluated 2022-11-08.

Conditions:
DYNC1H1-related neuronopathy.
Charcot-Marie-Tooth disease axonal type 2O. Also called: CHARCOT-MARIE-TOOTH NEUROPATHY, AXONAL, TYPE 2O; CHARCOT-MARIE-TOOTH DISEASE, AXONAL, AUTOSOMAL DOMINANT, TYPE 2O; Charcot-Marie-Tooth disease, axonal, type 20; Charcot-Marie-Tooth Neuropathy Type 2O. Identifiers: Orphanet 284232, MedGen C3280220, MONDO:0013644, OMIM 614228.

Submissions (2):

Labcorp Genetics (formerly Invitae), Labcorp
Classification: Uncertain significance for Charcot-Marie-Tooth disease axonal type 2O. Last evaluated: 2022-11-08. Review status: criteria provided, single submitter. Criteria: Invitae Variant Classification Sherloc (09022015). Collection method: clinical testing. Allele origin: germline.
Comment: This variant has not been reported in the literature in individuals affected with DYNC1H1-related conditions. This variant is not present in population databases (gnomAD no frequency). This sequence change replaces glutamic acid, which is acidic and polar, with lysine, which is basic and polar, at codon 666 of the DYNC1H1 protein (p.Glu666Lys). ClinVar contains an entry for this variant (Variation ID: 1434680). In summary, the available evidence is currently insufficient to determine the role of this variant in disease. Therefore, it has been classified as a Variant of Uncertain Significance. Advanced modeling of protein sequence and biophysical properties (such as structural, functional, and spatial information, amino acid conservation, physicochemical variation, residue mobility, and thermodynamic stability) performed at Invitae indicates that this missense variant is expected to disrupt DYNC1H1 protein function.

Illumina Laboratory Services, Illumina
Classification: Uncertain significance for DYNC1H1-related neuronopathy. Last evaluated: 2022-04-19. Review status: criteria provided, single submitter. Criteria: ICSLVariantClassificationCriteria RUGD 01 April 2020. Collection method: clinical testing. Allele origin: unknown.
Comment: The DYNC1H1 c.1996G>A (p.Glu666Lys) missense variant results in the substitution of glutamic acid at amino acid position 666 with lysine. To our knowledge, this variant has not been reported in the peer-reviewed literature. Another variant at the same residue, c.1998A>T (p.Glu666Asp), has been reported in a de novo heterozygous state in an individual with developmental delay, cortical malformations, and epilepsy (Becker et al. 2020; Su et al. 2022). This variant is not found in version 2.1.1 or version 3.1.2 of the Genome Aggregation Database. Based on the available evidence, the c.1996G>A (p.Glu666Lys) variant is classified as a variant of uncertain significance for DYNC1H1-related neuronopathy.

Literature cited by the submitters: PubMed 32788638 (cited by Illumina Laboratory Services, Illumina); PubMed 35099838 (cited by Illumina Laboratory Services, Illumina).